The following is an entry in ClinVar:

NM_001148.6(ANK2):c.3255G>A (p.Ala1085=)

Gene: ANK2 (ankyrin 2; plus strand). Cytogenetic location: 4q26.
Variant type: single nucleotide variant.
Coding change: c.3255G>A on transcript NM_001148.6 (MANE Select); coding-DNA position 3255, G replaced by A.
Protein change: p.Ala1085=; no amino-acid change (alanine 1085 retained).
Molecular consequence: synonymous variant.
Genome position (GRCh38, 1-based): chr4:113,333,084, G>A. VCF-style: chr4-113333084-G-A. GRCh37 (hg19) VCF-style: chr4-114254240-G-A.
Other names: c.3228G>A, p.Ala1076= (NM_001127493.3); c.3267G>A, p.Ala1089= (NM_001354225.2); c.3156G>A, p.Ala1052= (NM_001354228.2, NM_001354258.2); c.3234G>A, p.Ala1078= (NM_001354230.2); c.3297G>A, p.Ala1099= (NM_001354231.2, NM_001354242.2); c.3291G>A, p.Ala1097= (NM_001354232.2); c.3252G>A, p.Ala1084= (NM_001354235.2, NM_001354246.2, NM_001354265.2); c.3153G>A, p.Ala1051= (NM_001354236.2); and 28 more.
Identifiers: ClinVar variation 377475 (VCV000377475.11), dbSNP rs56173868, ClinGen allele CA3050815.

ClinVar aggregate classification (germline): Conflicting classifications of pathogenicity. Review status: criteria provided, conflicting classifications (1 of 4 stars). 4 submissions from 4 submitters: Uncertain significance (2); Likely benign (2). Last evaluated 2024-04-13.

Conditions:
Cardiovascular phenotype. Identifiers: MedGen CN230736.
Long QT syndrome (LQTS). Identifiers: MedGen C0023976, MeSH D008133, MONDO:0002442. Disease mechanism: loss of function. Inheritance: Various modes of inheritance.

Allele frequency attached by ClinVar (database versions not stated): TOPMed 0.00002; 1000 Genomes Project 30x 0.00031; 1000 Genomes Project 0.00040.
gnomAD v4.1: 51 of 1,614,092 alleles (0.0032%); highest among the groups gnomAD compares: Non-Finnish European, 0.0035%; no homozygotes.

Submissions (4):

Labcorp Genetics (formerly Invitae), Labcorp
Classification: Uncertain significance for Long QT syndrome. Last evaluated: 2024-04-13. Review status: criteria provided, single submitter. Criteria: Invitae Variant Classification Sherloc (09022015). Collection method: clinical testing. Allele origin: germline.
Comment: This sequence change affects codon 1085 of the ANK2 mRNA. It is a 'silent' change, meaning that it does not change the encoded amino acid sequence of the ANK2 protein. This variant is present in population databases (rs56173868, gnomAD 0.009%). This variant has not been reported in the literature in individuals affected with ANK2-related conditions. ClinVar contains an entry for this variant (Variation ID: 377475). Algorithms developed to predict the effect of sequence changes on RNA splicing suggest that this variant may create or strengthen a splice site. In summary, the available evidence is currently insufficient to determine the role of this variant in disease. Therefore, it has been classified as a Variant of Uncertain Significance.

Ambry Genetics
Classification: Uncertain significance for Cardiovascular phenotype. Last evaluated: 2023-10-23. Review status: criteria provided, single submitter. Criteria: Ambry Variant Classification Scheme 2023. Collection method: clinical testing. Allele origin: germline.
Comment: The c.3255G>A variant (also known as p.A1085A), located in coding exon 29 of the ANK2 gene, results from a G to A substitution at nucleotide position 3255. This nucleotide substitution does not change the alanine at codon 1085. This nucleotide position is poorly conserved in available vertebrate species. In silico splice site analysis predicts that this alteration may result in the creation or strengthening of a novel splice acceptor site. According to data from gnomAD, the frequency for this variant is above the maximum credible frequency for a cardiac disease-causing variant in this gene based on internally established thresholds (Karczewski et al. Nature. 2020 May;581(7809):434-443; Whiffin et al. Genet Med. 2017 10;19:1151-1158). Based on the supporting evidence, the association of this alteration with ANK2-related neurodevelopmental disorder is unknown; however, the association with ANK2-related arrhythmia is unlikely.

Women's Health and Genetics/Laboratory Corporation of America, LabCorp
Classification: Likely benign. Last evaluated: 2019-09-06. Review status: criteria provided, single submitter. Criteria: LabCorp Variant Classification Summary - May 2015. Collection method: clinical testing. Allele origin: germline.

GeneDx
Classification: Likely benign. Last evaluated: 2019-01-31. Review status: criteria provided, single submitter. Criteria: GeneDx Variant Classification Process June 2021. Collection method: clinical testing. Allele origin: germline. Affected: yes.